The following is an entry in ClinVar:

NM_001323289.2(CDKL5):c.913C>T (p.Arg305Cys)

Gene: CDKL5 (cyclin dependent kinase like 5; plus strand). Cytogenetic location: Xp22.13.
Variant type: single nucleotide variant.
Coding change: c.913C>T on transcript NM_001323289.2 (MANE Select); coding-DNA position 913, C replaced by T.
Protein change: p.Arg305Cys; replaces arginine 305 with cysteine.
Molecular consequence: missense variant.
Genome position (GRCh38, 1-based): chrX:18,598,549, C>T. VCF-style: chrX-18598549-C-T. GRCh37 (hg19) VCF-style: chrX-18616669-C-T.
Other names: c.913C>T, p.Arg305Cys (NM_001037343.2, NM_003159.3); short protein forms R305C.
Identifiers: ClinVar variation 420739 (VCV000420739.7), dbSNP rs1064794671, ClinGen allele CA16621274.

ClinVar aggregate classification (germline): Conflicting classifications of pathogenicity. Review status: criteria provided, conflicting classifications (1 of 4 stars). 2 submissions from 2 submitters: Uncertain significance (1); Likely benign (1). Last evaluated 2023-09-10.

Conditions:
Developmental and epileptic encephalopathy, 2 (DEE2). Also called: INFANTILE SPASM SYNDROME, X-LINKED 2; CDKL5 deficiency disorder. Identifiers: Orphanet 1934, Orphanet 3451, Orphanet 505652, MedGen C4750718, MONDO:0010396, OMIM 300672.
Angelman syndrome-like. Identifiers: MedGen CN128785.

Allele frequency attached by ClinVar (database versions not stated): gnomAD exomes 0.00001.
gnomAD v4.1: 12 of 1,207,820 alleles (0.00099%); highest among the groups gnomAD compares: Admixed American, 0.0044%; no homozygotes.

Submissions (2):

Labcorp Genetics (formerly Invitae), Labcorp
Classification: Likely benign for Developmental and epileptic encephalopathy, 2; Angelman syndrome-like. Last evaluated: 2023-09-10. Review status: criteria provided, single submitter. Criteria: Invitae Variant Classification Sherloc (09022015). Collection method: clinical testing. Allele origin: germline.

GeneDx
Classification: Uncertain significance. Last evaluated: 2017-07-28. Review status: criteria provided, single submitter. Criteria: GeneDx Variant Classification (06012015). Collection method: clinical testing. Allele origin: germline. Affected: yes.
Comment: A variant of uncertain significance has been identified in the CDKL5 gene. The R305C variant has not been published as a pathogenic variant, nor has it been reported as a benign variant to our knowledge. It was not observed in approximately 6,500 individuals of European and African American ancestry in the NHLBI Exome Sequencing Project, indicating it is not a common benign variant in these populations. The R305C variant is a non-conservative amino acid substitution, which is likely to impact secondary protein structure as these residues differ in polarity, charge, size and/or other properties. This substitution occurs at a position that is conserved across species and in silico analysis predicts this variant is probably damaging to the protein structure/function. Based on the currently available information, it is unclear whether this variant is a pathogenic variant or a rare benign variant.